The following is an entry in ClinVar:

ClinVar aggregate classification (germline): Likely benign (0 of 4 stars; one submission).

Conditions:
CELSR3-related disorder. Also called: CELSR3-related condition.

Allele frequency attached by ClinVar (database versions not stated): TOPMed 0.00004; ExAC 0.00005; gnomAD 0.00009.
gnomAD v4.1: 223 of 1,612,488 alleles (0.014%); highest among the groups gnomAD compares: Middle Eastern, 0.05%; no homozygotes.

Submission:

PreventionGenetics, part of Exact Sciences
Classification: Likely benign for CELSR3-related condition. Last evaluated: 2019-04-02. Review status: no assertion criteria provided. Collection method: clinical testing. Allele origin: germline.
Comment: This variant is classified as likely benign based on ACMG/AMP sequence variant interpretation guidelines (Richards et al. 2015 PMID: 25741868, with internal and published modifications).

NM_001407.3(CELSR3):c.8970G>A (p.Pro2990=)

Gene: CELSR3 (cadherin EGF LAG seven-pass G-type receptor 3; minus strand). Cytogenetic location: 3p21.31.
Variant type: single nucleotide variant.
Coding change: c.8970G>A on transcript NM_001407.3 (MANE Select); coding-DNA position 8970, G replaced by A.
Protein change: p.Pro2990=; no amino-acid change (proline 2990 retained).
Molecular consequence: synonymous variant.
Genome position (GRCh38, 1-based): chr3:48,641,379, C>T on the plus strand (G>A on the coding strand, the complement: CELSR3 is on the minus strand). VCF-style: chr3-48641379-C-T. GRCh37 (hg19) VCF-style: chr3-48678812-C-T.
Identifiers: ClinVar variation 3058807 (VCV003058807.2), dbSNP rs763316177, ClinGen allele CA2383687.